The following is an entry in ClinVar:

ClinVar aggregate classification (germline): Uncertain significance. Review status: criteria provided, multiple submitters, no conflicts (2 of 4 stars). 2 submissions from 2 submitters: Uncertain significance (2). Last evaluated 2025-08-24.

Allele frequency attached by ClinVar (database versions not stated): gnomAD 0.00001; gnomAD exomes 0.00001; TOPMed 0.00002; ExAC 0.00006.

Submissions (2):

Ambry Genetics
Classification: Uncertain significance. Last evaluated: 2025-08-24. Review status: criteria provided, single submitter. Criteria: Ambry Variant Classification Scheme 2023. Collection method: clinical testing. Allele origin: germline.

Labcorp Genetics (formerly Invitae), Labcorp
Classification: Uncertain significance. Last evaluated: 2023-02-15. Review status: criteria provided, single submitter. Criteria: Invitae Variant Classification Sherloc (09022015). Collection method: clinical testing. Allele origin: germline.
Comment: This sequence change replaces phenylalanine, which is neutral and non-polar, with serine, which is neutral and polar, at codon 290 of the WNT3A protein (p.Phe290Ser). This variant is present in population databases (rs762651977, gnomAD 0.02%). This variant has not been reported in the literature in individuals affected with WNT3A-related conditions. Advanced modeling of protein sequence and biophysical properties (such as structural, functional, and spatial information, amino acid conservation, physicochemical variation, residue mobility, and thermodynamic stability) performed at Invitae indicates that this missense variant is not expected to disrupt WNT3A protein function. In summary, the available evidence is currently insufficient to determine the role of this variant in disease. Therefore, it has been classified as a Variant of Uncertain Significance.

NM_033131.4(WNT3A):c.869T>C (p.Phe290Ser)

Gene: WNT3A (Wnt family member 3A; plus strand). Cytogenetic location: 1q42.13.
Variant type: single nucleotide variant.
Coding change: c.869T>C on transcript NM_033131.4 (MANE Select); coding-DNA position 869, T replaced by C.
Protein change: p.Phe290Ser; replaces phenylalanine 290 with serine.
Molecular consequence: missense variant.
Genome position (GRCh38, 1-based): chr1:228,059,275, T>C. VCF-style: chr1-228059275-T-C. GRCh37 (hg19) VCF-style: chr1-228246976-T-C.
Other names: c.869T>C (NM_033131.3); short protein forms F290S.
Identifiers: ClinVar variation 2909474 (VCV002909474.4), dbSNP rs762651977, ClinGen allele CA1429552.